The following is an entry in ClinVar:

NM_018451.5(CPAP):c.3366+87C>T

Genes: CPAP (centrosome assembly and centriole elongation protein; minus strand), RNF17 (ring finger protein 17; plus strand). Cytogenetic location: 13q12.12.
Variant type: single nucleotide variant.
Coding change: c.3366+87C>T on transcript NM_018451.5 (MANE Select); 87 bases into the intron after coding-DNA position 3366, C replaced by T.
Molecular consequence: intron variant.
Genome position (GRCh38, 1-based): chr13:24,885,519, G>A on the plus strand (C>T on the coding strand, the complement: CPAP is on the minus strand). VCF-style: chr13-24885519-G-A. GRCh37 (hg19) VCF-style: chr13-25459657-G-A.
Identifiers: ClinVar variation 672216 (VCV000672216.2), dbSNP rs3742164, ClinGen allele CA15783776.

ClinVar aggregate classification (germline): Benign. Review status: criteria provided, multiple submitters, no conflicts (2 of 4 stars). 2 submissions from 2 submitters: Benign (2). Last evaluated 2018-06-16.

Allele frequency attached by ClinVar (database versions not stated): TOPMed 0.05818; gnomAD 0.05863 and 0.06395; 1000 Genomes Project 30x 0.09151; 1000 Genomes Project 0.09565.
gnomAD v4.1: 96,865 of 1,214,488 alleles (8%); highest among the groups gnomAD compares: East Asian, 20%; 4,957 homozygotes.

Submissions (2):

GeneDx
Classification: Benign. Last evaluated: 2018-06-16. Review status: criteria provided, single submitter. Criteria: GeneDx Variant Classification (06012015). Collection method: clinical testing. Allele origin: germline. Affected: yes.
Comment: This variant is considered likely benign or benign based on one or more of the following criteria: it is a conservative change, it occurs at a poorly conserved position in the protein, it is predicted to be benign by multiple in silico algorithms, and/or has population frequency not consistent with disease.

Breakthrough Genomics
Classification: Benign. Review status: criteria provided, single submitter. Criteria: ACMG Guidelines, 2015. Collection method: not provided. Allele origin: germline. Inheritance: Autosomal recessive inheritance. Affected: yes.